The following is an entry in ClinVar:

ClinVar aggregate classification (germline): Uncertain significance (1 of 4 stars; one submission).

Conditions:
CHARGE syndrome (CHARGE). Also called: Hittner Hirsch Kreh syndrome; CHARGE ASSOCIATION--COLOBOMA, HEART ANOMALY, CHOANAL ATRESIA, RETARDATION, GENITAL AND EAR ANOMALIES; Coloboma, heart anomaly, choanal atresia, retardation, genital and ear anomalies; CHARGE association; Hall-Hittner syndrome. Identifiers: Orphanet 138, MedGen C0265354, MONDO:0008965.

Submission:

Labcorp Genetics (formerly Invitae), Labcorp
Classification: Uncertain significance for CHARGE syndrome. Last evaluated: 2025-04-22. Review status: criteria provided, single submitter. Criteria: Invitae Variant Classification Sherloc (09022015). Collection method: clinical testing. Allele origin: germline.
Comment: This sequence change replaces methionine, which is neutral and non-polar, with lysine, which is basic and polar, at codon 200 of the CHD7 protein (p.Met200Lys). This variant is not present in population databases (gnomAD no frequency). This missense change has been observed in individual(s) with Kallmann syndrome (PMID: 23533228). Invitae Evidence Modeling of protein sequence and biophysical properties (such as structural, functional, and spatial information, amino acid conservation, physicochemical variation, residue mobility, and thermodynamic stability) indicates that this missense variant is not expected to disrupt CHD7 protein function with a negative predictive value of 95%. In summary, the available evidence is currently insufficient to determine the role of this variant in disease. Therefore, it has been classified as a Variant of Uncertain Significance.

Literature cited by the submitters: PubMed 23533228.

NM_017780.4(CHD7):c.599T>A (p.Met200Lys)

Gene: CHD7 (chromodomain helicase DNA binding protein 7; plus strand). Cytogenetic location: 8q12.2.
Variant type: single nucleotide variant.
Coding change: c.599T>A on transcript NM_017780.4 (MANE Select); coding-DNA position 599, T replaced by A.
Protein change: p.Met200Lys; replaces methionine 200 with lysine.
Molecular consequence: missense variant.
Genome position (GRCh38, 1-based): chr8:60,742,031, T>A. VCF-style: chr8-60742031-T-A. GRCh37 (hg19) VCF-style: chr8-61654590-T-A.
Other names: c.599T>A, p.Met200Lys (NM_001316690.1); short protein forms M200K.
Identifiers: ClinVar variation 4709600 (VCV004709600.1).